The following is an entry in ClinVar:

NM_006015.6(ARID1A):c.4783A>G (p.Met1595Val)

Gene: ARID1A (AT-rich interaction domain 1A; plus strand). Cytogenetic location: 1p36.11.
Variant type: single nucleotide variant.
Coding change: c.4783A>G on transcript NM_006015.6 (MANE Select); coding-DNA position 4783, A replaced by G.
Protein change: p.Met1595Val; replaces methionine 1595 with valine.
Molecular consequence: missense variant.
Genome position (GRCh38, 1-based): chr1:26,775,010, A>G. VCF-style: chr1-26775010-A-G. GRCh37 (hg19) VCF-style: chr1-27101501-A-G.
Other names: c.4132A>G, p.Met1378Val (NM_139135.4); short protein forms M1595V, M1378V.
Identifiers: ClinVar variation 918059 (VCV000918059.3), dbSNP rs1463725053, ClinGen allele CA339178453.

ClinVar aggregate classification (germline): Uncertain significance (1 of 4 stars; one submission).

Conditions:
Intellectual disability, autosomal dominant 14 (CSS2). Also called: COFFIN-SIRIS SYNDROME 2. Identifiers: Orphanet 1465, MedGen C3553247, MONDO:0013819, OMIM 614607.

Allele frequency attached by ClinVar (database versions not stated): gnomAD 0.00001; gnomAD exomes 0.00001 and below 0.00001; TOPMed 0.00001.

Submission:

Foundation for Research in Genetics and Endocrinology, FRIGE's Institute of Human Genetics
Classification: Uncertain significance for Intellectual disability, autosomal dominant 14. Last evaluated: 2020-04-14. Review status: criteria provided, single submitter. Criteria: ACMG Guidelines, 2015. Collection method: clinical testing. Allele origin: germline. Inheritance: Autosomal dominant inheritance. Affected: yes. Observed: 1 heterozygote.
Comment: A heterozygous missense variation in exon 18 of the ARID1A gene that results in the amino acid substitution of Valine for Methionine at codon 1595 was detected. The observed variant c.4783A>G (p.Met1595Val) has not been reported in the 1000 genomes and ExAC databases. The in silico prediction of the variant is damaging by LRT and MutationTaster2. The reference codon is conserved across species. In summary, the variant meets our criteria to be classified as a variant of uncertain significance.